The following is an entry in ClinVar:

ClinVar aggregate classification (germline): Conflicting classifications of pathogenicity. Review status: criteria provided, conflicting classifications (1 of 4 stars). 5 submissions from 5 submitters: Uncertain significance (2); Likely benign (1). 2 of the submissions do not count toward it. Last evaluated 2025-07-20.

Conditions:
C3 glomerulonephritis. Also called: Nephropathy due to CFHR5 Deficiency; C3 GLOMERULOPATHY 3. Identifiers: Orphanet 329931, MedGen C4055342, MONDO:0013892, OMIM 614809.

Allele frequency attached by ClinVar (database versions not stated): 1000 Genomes Project 0.00120; gnomAD 0.00074 and 0.00079; 1000 Genomes Project 30x 0.00109; ESP Exome Variant Server 0.00085; TOPMed 0.00092.
gnomAD v4.1: 245 of 1,613,414 alleles (0.015%); highest among the groups gnomAD compares: African/African-American, 0.27%; 1 homozygote.

Submissions (5):

Mayo Clinic Laboratories, Mayo Clinic
Classification: Uncertain significance. Last evaluated: 2025-07-20. Review status: criteria provided, single submitter. Criteria: ACMG Guidelines, 2015. Collection method: clinical testing. Allele origin: germline. Observed: 5 variant alleles.

Labcorp Genetics (formerly Invitae), Labcorp
Classification: Likely benign. Last evaluated: 2025-06-12. Review status: criteria provided, single submitter. Criteria: Invitae Variant Classification Sherloc (09022015). Collection method: clinical testing. Allele origin: germline.

Clinical Genomics Laboratory, Washington University in St. Louis
Classification: Uncertain significance for C3 glomerulonephritis. Last evaluated: 2025-01-22. Review status: criteria provided, single submitter. Criteria: ACMG Guidelines, 2015. Collection method: clinical testing. Allele origin: germline.
Comment: A CFHR5 c.1561T>A (p.Leu521Ile) variant was identified in a heterozygous state. This variant has been reported in the literature as a variant of uncertain significance in one individual affected with atypical hemolytic uremic syndrome (Al Riyami D et al., PMID: 38317858). This variant has been reported in the ClinVar database as a germline variant of uncertain significance by one submitter and likely benign by three submitters (ClinVar Variation ID: 722573). This variant is observed on 76/282,482 alleles in the general population (gnomAD v.2.1.1). The highest population minor allele frequency in this database is 0.27% in the African/African American population. Computational predictors are conflicting as to the impact of this variant on CFHR5 function. Due to conflicting information, and based on the ACMG/AMP guidelines for variant interpretation (Richards S et al., PMID: 25741868), the clinical significance of the CFHR5 c.1561T>A (p.Leu521Ile) variant is uncertain at this time.

Clinical Genetics DNA and cytogenetics Diagnostics Lab, Erasmus MC, Erasmus Medical Center
Classification: Likely benign. Review status: no assertion criteria provided. Collection method: clinical testing. Allele origin: germline. Affected: yes. Study: VKGL Data-share Consensus. Not counted in ClinVar's aggregate classification.

Diagnostic Laboratory, Department of Genetics, University Medical Center Groningen
Classification: Likely benign. Review status: no assertion criteria provided. Collection method: clinical testing. Allele origin: germline. Affected: yes. Study: VKGL Data-share Consensus. Not counted in ClinVar's aggregate classification.

Literature cited by the submitters: PubMed 38317858 (cited by Mayo Clinic Laboratories, Mayo Clinic).

NM_030787.4(CFHR5):c.1561T>A (p.Leu521Ile)

Gene: CFHR5 (complement factor H related 5; plus strand). Cytogenetic location: 1q31.3.
Variant type: single nucleotide variant.
Coding change: c.1561T>A on transcript NM_030787.4 (MANE Select); coding-DNA position 1561, T replaced by A.
Protein change: p.Leu521Ile; replaces leucine 521 with isoleucine.
Molecular consequence: missense variant.
Genome position (GRCh38, 1-based): chr1:197,008,534, T>A. VCF-style: chr1-197008534-T-A. GRCh37 (hg19) VCF-style: chr1-196977664-T-A.
Other names: p.Leu521Ile; short protein forms L521I.
Identifiers: ClinVar variation 722573 (VCV000722573.13), dbSNP rs35957013, ClinGen allele CA1308118.